The following is an entry in ClinVar:

NM_003680.4(YARS1):c.1504A>C (p.Ile502Leu)

Gene: YARS1 (tyrosyl-tRNA synthetase 1; minus strand). Cytogenetic location: 1p35.1.
Variant type: single nucleotide variant.
Coding change: c.1504A>C on transcript NM_003680.4 (MANE Select); coding-DNA position 1504, A replaced by C.
Protein change: p.Ile502Leu; replaces isoleucine 502 with leucine.
Molecular consequence: missense variant.
Genome position (GRCh38, 1-based): chr1:32,776,064, T>G on the plus strand (A>C on the coding strand, the complement: YARS1 is on the minus strand). VCF-style: chr1-32776064-T-G. GRCh37 (hg19) VCF-style: chr1-33241665-T-G.
Other names: short protein forms I502L.
Identifiers: ClinVar variation 3656002 (VCV003656002.2).

ClinVar aggregate classification (germline): Uncertain significance (1 of 4 stars; one submission).

Conditions:
Charcot-Marie-Tooth disease dominant intermediate C (CMTDIC). Also called: CHARCOT-MARIE-TOOTH NEUROPATHY, DOMINANT INTERMEDIATE C. Identifiers: Orphanet 100045, MedGen C1842237, MONDO:0012012, OMIM 608323.

Submission:

Labcorp Genetics (formerly Invitae), Labcorp
Classification: Uncertain significance for Charcot-Marie-Tooth disease dominant intermediate C. Last evaluated: 2024-06-09. Review status: criteria provided, single submitter. Criteria: Invitae Variant Classification Sherloc (09022015). Collection method: clinical testing. Allele origin: germline.
Comment: This sequence change replaces isoleucine, which is neutral and non-polar, with leucine, which is neutral and non-polar, at codon 502 of the YARS protein (p.Ile502Leu). This variant is not present in population databases (gnomAD no frequency). This variant has not been reported in the literature in individuals affected with YARS-related conditions. Advanced modeling of protein sequence and biophysical properties (such as structural, functional, and spatial information, amino acid conservation, physicochemical variation, residue mobility, and thermodynamic stability) performed at Invitae indicates that this missense variant is not expected to disrupt YARS protein function with a negative predictive value of 80%. In summary, the available evidence is currently insufficient to determine the role of this variant in disease. Therefore, it has been classified as a Variant of Uncertain Significance.